The following is an entry in ClinVar:

ClinVar aggregate classification (germline): Benign/Likely benign. Review status: criteria provided, multiple submitters, no conflicts (2 of 4 stars). 11 submissions from 11 submitters: Benign (3); Likely benign (8). Last evaluated 2026-02-01.

Conditions:
Inborn genetic diseases. Identifiers: MedGen C0950123, MeSH D030342.
Cornelia de Lange syndrome 1 (CDLS1). Also called: TYPUS DEGENERATIVUS AMSTELODAMENSIS; Brachmann de Lange syndrome; NIPBL-Related Cornelia de Lange Syndrome. Identifiers: Orphanet 199, MedGen C4551851, MONDO:0007387, OMIM 122470.

Allele frequency attached by ClinVar (database versions not stated): 1000 Genomes Project 30x 0.00016; 1000 Genomes Project 0.00020; gnomAD 0.00034 and 0.00036; gnomAD exomes 0.00040 and 0.00072; ESP Exome Variant Server 0.00046; TOPMed 0.00053; ExAC 0.00080.
gnomAD v4.1: 648 of 1,613,916 alleles (0.04%); highest among the groups gnomAD compares: Admixed American, 0.21%; 2 homozygotes.

Submissions (11):

CeGaT Center for Human Genetics Tuebingen
Classification: Likely benign. Last evaluated: 2026-02-01. Review status: criteria provided, single submitter. Criteria: CeGaT Center For Human Genetics Tuebingen Variant Classification Criteria Version 2. Collection method: clinical testing. Allele origin: germline. Affected: yes. Observed: 3 variant alleles.
Comment: NIPBL: BP4, BP7, BS1

Labcorp Genetics (formerly Invitae), Labcorp
Classification: Benign for Cornelia de Lange syndrome 1. Last evaluated: 2025-12-03. Review status: criteria provided, single submitter. Criteria: Invitae Variant Classification Sherloc (09022015). Collection method: clinical testing. Allele origin: germline.

Blueprint Genetics
Classification: Likely benign. Last evaluated: 2024-11-05. Review status: criteria provided, single submitter. Criteria: ACMG Guidelines, 2015. Collection method: clinical testing. Allele origin: germline.

Genome-Nilou Lab
Classification: Benign for Cornelia de Lange syndrome 1. Last evaluated: 2021-07-15. Review status: criteria provided, single submitter. Criteria: ACMG Guidelines, 2015. Collection method: clinical testing. Allele origin: germline. Affected: no.

Athena Diagnostics
Classification: Benign. Last evaluated: 2020-10-28. Review status: criteria provided, single submitter. Criteria: Athena Diagnostics criteria. Collection method: clinical testing. Allele origin: unknown.

GeneDx
Classification: Likely benign. Last evaluated: 2020-01-16. Review status: criteria provided, single submitter. Criteria: GeneDx Variant Classification Process June 2021. Collection method: clinical testing. Allele origin: germline. Affected: yes.

Illumina Laboratory Services, Illumina
Classification: Likely benign for Cornelia de Lange syndrome 1. Last evaluated: 2017-04-27. Review status: criteria provided, single submitter. Criteria: ICSL Variant Classification Criteria 13 December 2019. Collection method: clinical testing. Allele origin: germline.
Comment: This variant was observed as part of a predisposition screen in an ostensibly healthy population. A literature search was performed for the gene, cDNA change, and amino acid change (where applicable). No publications were found based on this search. Allele frequency data from public databases allowed determination this variant is unlikely to cause disease. Therefore, this variant is classified as likely benign.

Ambry Genetics
Classification: Likely benign for Inborn genetic diseases. Last evaluated: 2016-07-13. Review status: criteria provided, single submitter. Criteria: Ambry Variant Classification Scheme 2023. Collection method: clinical testing. Allele origin: germline.

Genetic Services Laboratory, University of Chicago
Classification: Likely benign. Last evaluated: 2015-04-29. Review status: criteria provided, single submitter. Criteria: ACMG Guidelines, 2015. Collection method: clinical testing. Allele origin: germline.

Eurofins Ntd Llc (ga)
Classification: Likely benign. Last evaluated: 2015-02-13. Review status: criteria provided, single submitter. Criteria: EGL Classification Definitions 2015. Collection method: clinical testing. Allele origin: germline. Observed: 2 variant alleles, 2 heterozygotes.

PreventionGenetics, part of Exact Sciences
Classification: Likely benign. Review status: criteria provided, single submitter. Criteria: ACMG Guidelines, 2015. Collection method: clinical testing. Allele origin: germline.

NM_133433.4(NIPBL):c.198C>G (p.Val66=)

Gene: NIPBL (NIPBL cohesin loading factor; plus strand). Cytogenetic location: 5p13.2.
Variant type: single nucleotide variant.
Coding change: c.198C>G on transcript NM_133433.4 (MANE Select); coding-DNA position 198, C replaced by G.
Protein change: p.Val66=; no amino-acid change (valine 66 retained).
Molecular consequence: synonymous variant.
Genome position (GRCh38, 1-based): chr5:36,955,605, C>G. VCF-style: chr5-36955605-C-G. GRCh37 (hg19) VCF-style: chr5-36955707-C-G.
Other names: c.198C>G, p.Val66= (NM_015384.5).
Identifiers: ClinVar variation 96332 (VCV000096332.38), dbSNP rs146033170, ClinGen allele CA149435.
Genomic context (GRCh38, chr5:36,955,605, plus strand): 5'-AGCAGAAGAGGTGAACTGCCTTTTGGCTTGTAGGGATGACAATTTGGTTTCACAGCTTGT[C>G]CATAGCCTCAACCAGGTATCAACAGATCACATGTAAGTATGATCAATTTTATATCTACTA-3'
Protein context (NP_597677.2, residues 56-76): CRDDNLVSQL[Val66=]HSLNQVSTDH